The following is an entry in ClinVar:

ClinVar aggregate classification (germline): Uncertain significance. Review status: criteria provided, multiple submitters, no conflicts (2 of 4 stars). 2 submissions from 2 submitters: Uncertain significance (2). Last evaluated 2026-04-02.

Conditions:
Glycogen storage disease type III (GSD3). Also called: FORBES DISEASE; Cori disease. Identifiers: Orphanet 366, MedGen C0017922, MONDO:0009291, OMIM 232400.

Allele frequency attached by ClinVar (database versions not stated): gnomAD exomes 0.00001; gnomAD 0.00002; TOPMed 0.00001; ExAC 0.00001.
gnomAD v4.1: 21 of 1,614,006 alleles (0.0013%); highest among the groups gnomAD compares: Non-Finnish European, 0.0017%; no homozygotes.

Submissions (2):

GeneDx
Classification: Uncertain significance. Last evaluated: 2026-04-02. Review status: criteria provided, single submitter. Criteria: GeneDx Variant Classification Process June 2021. Collection method: clinical testing. Allele origin: germline.
Comment: Not observed at significant frequency in large population cohorts (gnomAD); In silico analysis supports that this missense variant has a deleterious effect on protein structure/function; Has not been previously published as pathogenic or benign to our knowledge

Labcorp Genetics (formerly Invitae), Labcorp
Classification: Uncertain significance for Glycogen storage disease type III. Last evaluated: 2025-07-02. Review status: criteria provided, single submitter. Criteria: Invitae Variant Classification Sherloc (09022015). Collection method: clinical testing. Allele origin: germline.
Comment: This sequence change replaces glycine, which is neutral and non-polar, with aspartic acid, which is acidic and polar, at codon 413 of the AGL protein (p.Gly413Asp). This variant is present in population databases (rs750462894, gnomAD 0.0009%). This variant has not been reported in the literature in individuals affected with AGL-related conditions. ClinVar contains an entry for this variant (Variation ID: 2043368). Invitae Evidence Modeling of protein sequence and biophysical properties (such as structural, functional, and spatial information, amino acid conservation, physicochemical variation, residue mobility, and thermodynamic stability) indicates that this missense variant is expected to disrupt AGL protein function with a positive predictive value of 80%. In summary, the available evidence is currently insufficient to determine the role of this variant in disease. Therefore, it has been classified as a Variant of Uncertain Significance.

NM_000642.3(AGL):c.1238G>A (p.Gly413Asp)

Gene: AGL (amylo-alpha-1,6-glucosidase and 4-alpha-glucanotransferase; plus strand). Cytogenetic location: 1p21.2.
Variant type: single nucleotide variant.
Coding change: c.1238G>A on transcript NM_000642.3 (MANE Select); coding-DNA position 1238, G replaced by A.
Protein change: p.Gly413Asp; replaces glycine 413 with aspartic acid.
Molecular consequence: missense variant.
Genome position (GRCh38, 1-based): chr1:99,875,410, G>A. VCF-style: chr1-99875410-G-A. GRCh37 (hg19) VCF-style: chr1-100340966-G-A.
Other names: c.1238G>A, p.Gly413Asp (NM_000028.3, NM_000643.3, NM_000644.3 and 2 more transcripts); c.1190G>A, p.Gly397Asp (NM_000646.3); c.1034G>A, p.Gly345Asp (NM_001425328.1, NM_001425329.1); c.860G>A, p.Gly287Asp (NM_001425332.1); c.1238G>A (NM_000642.2); short protein forms G413D, G397D, G287D, G345D.
Identifiers: ClinVar variation 2043368 (VCV002043368.4), dbSNP rs750462894, ClinGen allele CA966436.